The following is an entry in ClinVar:

NM_018995.3(MOV10L1):c.*52C>T

Gene: MOV10L1 (Mov10 like RNA helicase 1; plus strand). Cytogenetic location: 22q13.33.
Variant type: single nucleotide variant.
Coding change: c.*52C>T on transcript NM_018995.3 (MANE Select); 52 bases downstream of the stop codon, C replaced by T.
Molecular consequence: 3 prime UTR variant.
Genome position (GRCh38, 1-based): chr22:50,161,501, C>T. VCF-style: chr22-50161501-C-T. GRCh37 (hg19) VCF-style: chr22-50599930-C-T.
Other names: c.*52C>T (NM_001164104.2, NM_001164106.1); c.*38C>T (NM_001164105.2).
Identifiers: ClinVar variation 4883827 (VCV004883827.2).

ClinVar aggregate classification (germline): Uncertain significance (1 of 4 stars; one submission).

gnomAD v4.1: 16 of 1,519,446 alleles (0.0011%); highest among the groups gnomAD compares: Middle Eastern, 0.018%; no homozygotes.

Submission:

Dasa
Classification: Uncertain significance. Last evaluated: 2026-03-09. Review status: criteria provided, single submitter. Criteria: DASA Assertion Criteria. Collection method: clinical testing. Allele origin: germline.
Comment: NM_018995.3(MOV10L1):c.*52C>T is a sequence variant. This variant is rare in population databases. The currently available literature and clinical evidence are not sufficient to establish a definitive association between this variant and the reported condition. Therefore, this variant is classified as a variant of uncertain significance.